The following is an entry in ClinVar:

NM_000548.5(TSC2):c.4662+7C>G

Gene: TSC2 (TSC complex subunit 2; plus strand). Cytogenetic location: 16p13.3.
Variant type: single nucleotide variant.
Coding change: c.4662+7C>G on transcript NM_000548.5 (MANE Select); 7 bases into the intron after coding-DNA position 4662, C replaced by G.
Molecular consequence: intron variant.
Genome position (GRCh38, 1-based): chr16:2,085,329, C>G. VCF-style: chr16-2085329-C-G. GRCh37 (hg19) VCF-style: chr16-2135330-C-G.
Other names: c.4593+7C>G (NM_001114382.3); c.4533+7C>G (NM_021055.3, NM_001370405.1); c.4464+7C>G (NM_001363528.2); c.4530+7C>G (NM_001370404.1); c.4461+7C>G (NM_001077183.3); c.4353+7C>G (NM_001318827.2); c.3930+7C>G (NM_001318831.2); c.4317+7C>G (NM_001318829.2); and 1 more.
Identifiers: ClinVar variation 1515360 (VCV001515360.9), dbSNP rs1555515435, ClinGen allele CA2573151929.
Genomic context (GRCh38, chr16:2,085,329, plus strand): 5'-ATCCCATCATACGACACCCACAAGATCGCCGTCCTGTATGTTGGAGAAGGCCAGGTGAGG[C>G]TGCGGGGCCGGCCTAGGTGCCTGGACAGGGCCAGCTGGGCCTCAGCCTGCAGTGGGTAGG-3'

ClinVar aggregate classification (germline): Conflicting classifications of pathogenicity. Review status: criteria provided, conflicting classifications (1 of 4 stars). 2 submissions from 2 submitters: Uncertain significance (1); Likely benign (1). Last evaluated 2025-06-04.

Conditions:
Tuberous sclerosis 2 (TSC2). Identifiers: Orphanet 805, MedGen C1860707, MONDO:0013199, OMIM 613254.

gnomAD v4.1: 3 of 1,612,562 alleles (0.00019%); highest among the groups gnomAD compares: Non-Finnish European, 0.00025%; no homozygotes.

Submissions (2):

Myriad Genetics, Inc.
Classification: Likely benign for Tuberous sclerosis 2. Last evaluated: 2025-06-04. Review status: criteria provided, single submitter. Criteria: Myriad Autosomal Dominant, Autosomal Recessive and X-Linked Classification Criteria (2023). Collection method: clinical testing. Allele origin: unknown.
Comment: This variant is considered likely benign. This variant is intronic and is not expected to impact mRNA splicing.

Labcorp Genetics (formerly Invitae), Labcorp
Classification: Uncertain significance for Tuberous sclerosis 2. Last evaluated: 2021-03-11. Review status: criteria provided, single submitter. Criteria: Invitae Variant Classification Sherloc (09022015). Collection method: clinical testing. Allele origin: germline.
Comment: In summary, the available evidence is currently insufficient to determine the role of this variant in disease. Therefore, it has been classified as a Variant of Uncertain Significance. This sequence change falls in intron 36 of the TSC2 gene. It does not directly change the encoded amino acid sequence of the TSC2 protein. This variant is not present in population databases (ExAC no frequency). This variant has not been reported in the literature in individuals with TSC2-related conditions. Algorithms developed to predict the effect of sequence changes on RNA splicing suggest that this variant may create or strengthen a splice site, but this prediction has not been confirmed by published transcriptional studies.